The following is an entry in ClinVar:

NM_003238.6(TGFB2):c.346+16304dup

Gene: TGFB2 (transforming growth factor beta 2; plus strand). Cytogenetic location: 1q41.
Variant type: Duplication.
Coding change: c.346+16304dup on transcript NM_003238.6 (MANE Select); 16304 bases into the intron after coding-DNA position 346, one base duplicated (A; older notation c.346+16304dupA).
Molecular consequence: intron variant. On other transcripts: frameshift variant (1), non-coding transcript variant (1).
Genome position (GRCh38, 1-based): chr1:218,363,351, A duplicated. VCF-style (leftmost placement, unchanged base first): chr1-218363350-T-TA. GRCh37 (hg19) VCF-style: chr1-218536692-T-TA.
Other names: c.364dup, p.Thr122fs (NM_001135599.4); short protein forms T122fs.
Identifiers: ClinVar variation 3344187 (VCV003344187.1).

ClinVar aggregate classification (germline): Uncertain significance (0 of 4 stars; one submission).

Conditions:
TGFB2-related disorder. Also called: TGFB2-related condition.

Submission:

PreventionGenetics, part of Exact Sciences
Classification: Uncertain significance for TGFB2-related condition. Last evaluated: 2024-04-03. Review status: no assertion criteria provided. Collection method: clinical testing. Allele origin: germline.
Comment: The TGFB2 c.364dupA variant is predicted to result in a frameshift and premature protein termination (p.Thr122Asnfs*23). This variant is referred to as c.346+16304dup (intronic) with the primary transcript NM_003238. To our knowledge, this variant has not been reported in the literature or in a large population database, indicating this variant is rare. At this time, the clinical significance of this variant is uncertain due to the absence of conclusive functional and genetic evidence.